The following is an entry in ClinVar:

NM_173076.3(ABCA12):c.1087_1088del (p.Asp363fs)

Gene: ABCA12 (ATP binding cassette subfamily A member 12; minus strand). Cytogenetic location: 2q35.
Variant type: Deletion.
Coding change: c.1087_1088del on transcript NM_173076.3 (MANE Select); coding-DNA positions 1087 to 1088, 2 bases deleted (GA; older notation c.1087_1088delGA).
Protein change: p.Asp363fs; shifts the reading frame from aspartic acid 363.
Molecular consequence: frameshift variant. On other transcripts: non-coding transcript variant (1).
Genome position (GRCh38, 1-based): chr2:215,026,912-215,026,913, TC deleted on the plus strand (GA on the coding strand, the reverse complement: ABCA12 is on the minus strand); deleting any 2 consecutive bases within chr2:215,026,912-215,026,914 gives the same sequence; the c. name uses the placement nearest the transcript's 3' end. VCF-style (leftmost placement, unchanged base first): chr2-215026911-ATC-A. GRCh37 (hg19) VCF-style: chr2-215891635-ATC-A.
Other names: c.133_134del, p.Asp45fs (NM_015657.4); short protein forms D45fs, D363fs.
Identifiers: ClinVar variation 4736150 (VCV004736150.1).

ClinVar aggregate classification (germline): Pathogenic (1 of 4 stars; one submission).

Submission:

Labcorp Genetics (formerly Invitae), Labcorp
Classification: Pathogenic. Last evaluated: 2026-01-31. Review status: criteria provided, single submitter. Criteria: Invitae Variant Classification Sherloc (09022015). Collection method: clinical testing. Allele origin: germline.
Comment: This sequence change creates a premature translational stop signal (p.Asp363Cysfs*9) in the ABCA12 gene. It is expected to result in an absent or disrupted protein product. Loss-of-function variants in ABCA12 are known to be pathogenic (PMID: 20672373). This variant is not present in population databases (gnomAD no frequency). This variant has not been reported in the literature in individuals affected with ABCA12-related conditions. Algorithms developed to predict the effect of sequence changes on RNA splicing suggest that this variant may disrupt the consensus splice site. For these reasons, this variant has been classified as Pathogenic.

Literature cited by the submitters: PubMed 20672373.